The following is an entry in ClinVar:

ClinVar aggregate classification (germline): Uncertain significance (1 of 4 stars; one submission).

Allele frequency attached by ClinVar (database versions not stated): ExAC below 0.00001.

Submission:

Labcorp Genetics (formerly Invitae), Labcorp
Classification: Uncertain significance. Last evaluated: 2022-11-11. Review status: criteria provided, single submitter. Criteria: Invitae Variant Classification Sherloc (09022015). Collection method: clinical testing. Allele origin: germline.
Comment: In summary, the available evidence is currently insufficient to determine the role of this variant in disease. Therefore, it has been classified as a Variant of Uncertain Significance. Advanced modeling of protein sequence and biophysical properties (such as structural, functional, and spatial information, amino acid conservation, physicochemical variation, residue mobility, and thermodynamic stability) performed at Invitae indicates that this missense variant is expected to disrupt GPR143 protein function. ClinVar contains an entry for this variant (Variation ID: 657960). This variant has not been reported in the literature in individuals affected with GPR143-related conditions. This variant is not present in population databases (gnomAD no frequency). This sequence change replaces threonine, which is neutral and polar, with asparagine, which is neutral and polar, at codon 8 of the GPR143 protein (p.Thr8Asn).

NM_000273.3(GPR143):c.23C>A (p.Thr8Asn)

Gene: GPR143 (G protein-coupled receptor 143; minus strand). Cytogenetic location: Xp22.2.
Variant type: single nucleotide variant.
Coding change: c.23C>A on transcript NM_000273.3 (MANE Select); coding-DNA position 23, C replaced by A.
Protein change: p.Thr8Asn; replaces threonine 8 with asparagine.
Molecular consequence: missense variant.
Genome position (GRCh38, 1-based): chrX:9,765,795, G>T on the plus strand (C>A on the coding strand, the complement: GPR143 is on the minus strand). VCF-style: chrX-9765795-G-T. GRCh37 (hg19) VCF-style: chrX-9733835-G-T.
Other names: short protein forms T8N.
Identifiers: ClinVar variation 657960 (VCV000657960.8), dbSNP rs755646295, ClinGen allele CA10345095.